The following is an entry in ClinVar:

NM_001079855.2(GYG2):c.325-262T>C

Gene: GYG2 (glycogenin 2; plus strand). Cytogenetic location: Xp22.33.
Variant type: single nucleotide variant.
Coding change: c.325-262T>C on transcript NM_001079855.2 (MANE Select); 262 bases into the intron before coding-DNA position 325, T replaced by C.
Molecular consequence: intron variant.
Genome position (GRCh38, 1-based): chrX:2,854,731, T>C. VCF-style: chrX-2854731-T-C. GRCh37 (hg19) VCF-style: chrX-2772772-T-C.
Other names: c.418-262T>C (NM_003918.3, NM_001184703.2); c.325-262T>C (NM_001184702.2); c.-141-262T>C (NM_001184704.2).
Identifiers: ClinVar variation 684115 (VCV000684115.1), dbSNP rs6567664, ClinGen allele CA15022862.

ClinVar aggregate classification (germline): Benign (1 of 4 stars; one submission).

Allele frequency attached by ClinVar (database versions not stated): 1000 Genomes Project 30x 0.75942; gnomAD 0.78714; TOPMed 0.75755; 1000 Genomes Project 0.75921.

Submission:

GeneDx
Classification: Benign. Last evaluated: 2018-06-14. Review status: criteria provided, single submitter. Criteria: GeneDx Variant Classification (06012015). Collection method: clinical testing. Allele origin: germline. Affected: yes.
Comment: This variant is considered likely benign or benign based on one or more of the following criteria: it is a conservative change, it occurs at a poorly conserved position in the protein, it is predicted to be benign by multiple in silico algorithms, and/or has population frequency not consistent with disease.